The following is an entry in ClinVar:

ClinVar aggregate classification (germline): Pathogenic (1 of 4 stars; one submission).

Conditions:
Developmental and epileptic encephalopathy, 14 (DEE14). Also called: Early infantile epileptic encephalopathy 14. Identifiers: Orphanet 293181, MedGen C3554195, MONDO:0013989, OMIM 614959.

Submission:

Institute of Human Genetics, University of Leipzig Medical Center
Classification: Pathogenic for Developmental and epileptic encephalopathy, 14. Last evaluated: 2025-05-21. Review status: criteria provided, single submitter. Criteria: ACMG Guidelines, 2015. Collection method: clinical testing. Allele origin: unknown. Affected: yes.
Comment: Criteria applied: PS1,PM5_STR,PM1,PM2,PP3

NM_020822.3(KCNT1):c.2688G>T (p.Met896Ile)

Gene: KCNT1 (potassium sodium-activated channel subfamily T member 1; plus strand). Cytogenetic location: 9q34.3.
Variant type: single nucleotide variant.
Coding change: c.2688G>T on transcript NM_020822.3 (MANE Select); coding-DNA position 2688, G replaced by T.
Protein change: p.Met896Ile; replaces methionine 896 with isoleucine.
Molecular consequence: missense variant.
Genome position (GRCh38, 1-based): chr9:135,778,781, G>T. VCF-style: chr9-135778781-G-T. GRCh37 (hg19) VCF-style: chr9-138670627-G-T.
Other names: c.2553G>T, p.Met851Ile (NM_001272003.2); short protein forms M851I, M896I.
Identifiers: ClinVar variation 3901166 (VCV003901166.1).